The following is an entry in ClinVar:

NM_032043.3(BRIP1):c.1338del (p.Asn447fs)

Gene: BRIP1 (BRCA1 interacting DNA helicase 1; minus strand). Cytogenetic location: 17q23.2.
Variant type: Deletion.
Coding change: c.1338del on transcript NM_032043.3 (MANE Select); coding-DNA position 1338, one base deleted (T; older notation c.1338delT).
Protein change: p.Asn447fs; shifts the reading frame from asparagine 447.
Molecular consequence: frameshift variant.
Genome position (GRCh38, 1-based): chr17:61,799,102, A deleted on the plus strand (T on the coding strand, the reverse complement: BRIP1 is on the minus strand); the first of 2 consecutive A bases (chr17:61,799,102-61,799,103); deleting either gives the same sequence. VCF-style (leftmost placement, unchanged base first): chr17-61799101-TA-T. GRCh37 (hg19) VCF-style: chr17-59876462-TA-T.
Other names: c.1338delT (NM_032043.2); short protein forms N447fs.
Identifiers: ClinVar variation 2564605 (VCV002564605.2), dbSNP rs2545133690, ClinGen allele CA2580613193.

ClinVar aggregate classification (germline): Pathogenic (1 of 4 stars; one submission).

Conditions:
Hereditary cancer-predisposing syndrome. Also called: Neoplastic Syndromes, Hereditary; Hereditary Cancer Syndrome; Hereditary neoplastic syndrome; Tumor predisposition. Identifiers: Orphanet 140162, MedGen C0027672, MeSH D009386, MONDO:0015356.

Submission:

Ambry Genetics
Classification: Pathogenic for Hereditary cancer-predisposing syndrome. Last evaluated: 2023-06-09. Review status: criteria provided, single submitter. Criteria: Ambry Variant Classification Scheme 2023. Collection method: clinical testing. Allele origin: germline.
Comment: The c.1338delT pathogenic mutation, located in coding exon 8 of the BRIP1 gene, results from a deletion of one nucleotide at nucleotide position 1338, causing a translational frameshift with a predicted alternate stop codon (p.N447Ifs*3). This variant is considered to be rare based on population cohorts in the Genome Aggregation Database (gnomAD). This alteration is expected to result in loss of function by premature protein truncation or nonsense-mediated mRNA decay. As such, this alteration is interpreted as a disease-causing mutation.